The following is an entry in ClinVar:

NM_177438.3(DICER1):c.4050+6A>C

Gene: DICER1 (dicer 1, ribonuclease III; minus strand). Cytogenetic location: 14q32.13.
Variant type: single nucleotide variant.
Coding change: c.4050+6A>C on transcript NM_177438.3 (MANE Select); 6 bases into the intron after coding-DNA position 4050, A replaced by C.
Molecular consequence: intron variant.
Genome position (GRCh38, 1-based): chr14:95,103,340, T>G on the plus strand (A>C on the coding strand, the complement: DICER1 is on the minus strand). VCF-style: chr14-95103340-T-G. GRCh37 (hg19) VCF-style: chr14-95569677-T-G.
Other names: c.4050+6A>C (NM_001291628.2, NM_030621.4, NM_001271282.3 and 1 more transcripts).
Identifiers: ClinVar variation 1425721 (VCV001425721.7), dbSNP rs1891063115, ClinGen allele CA966181818.
Genomic context (GRCh38, chr14:95,103,340, plus strand): 5'-ACACTGCAAACCACTTTCAGGCACACTGAATAATTAACTGCTCAAAATAAAAAAATCATC[T>G]CTTACCTTTTTGCTTCTCATATATGAAAGGCGGCCCTCATGCGCATCAGGGTAAGTGCAA-3'

ClinVar aggregate classification (germline): Uncertain significance (1 of 4 stars; one submission).

Conditions:
DICER1-related tumor predisposition. Also called: DICER1-related pleuropulmonary blastoma cancer predisposition syndrome; DICER1 syndrome. Identifiers: Orphanet 284343, MedGen C3839822, MONDO:0100216.

Allele frequency attached by ClinVar (database versions not stated): TOPMed below 0.00001; gnomAD 0.00001.

Submission:

Labcorp Genetics (formerly Invitae), Labcorp
Classification: Uncertain significance for DICER1-related tumor predisposition. Last evaluated: 2022-07-19. Review status: criteria provided, single submitter. Criteria: Invitae Variant Classification Sherloc (09022015). Collection method: clinical testing. Allele origin: germline.
Comment: In summary, the available evidence is currently insufficient to determine the role of this variant in disease. Therefore, it has been classified as a Variant of Uncertain Significance. Variants that disrupt the consensus splice site are a relatively common cause of aberrant splicing (PMID: 17576681, 9536098). Algorithms developed to predict the effect of sequence changes on RNA splicing suggest that this variant is not likely to affect RNA splicing. ClinVar contains an entry for this variant (Variation ID: 1425721). This variant has not been reported in the literature in individuals affected with DICER1-related conditions. This variant is not present in population databases (gnomAD no frequency). This sequence change falls in intron 21 of the DICER1 gene. It does not directly change the encoded amino acid sequence of the DICER1 protein. It affects a nucleotide within the consensus splice site.

Literature cited by the submitters: PubMed 17576681; PubMed 9536098.